The following is an entry in ClinVar:

ClinVar aggregate classification (germline): Pathogenic (1 of 4 stars; one submission).

Conditions:
Familial adenomatous polyposis 1 (FAP1). Also called: POLYPOSIS, ADENOMATOUS INTESTINAL; FAMILIAL ADENOMATOUS POLYPOSIS 1, ATTENUATED. Identifiers: MedGen C2713442, MONDO:0021056, OMIM 175100. Disease mechanism: loss of function.

Submission:

Labcorp Genetics (formerly Invitae), Labcorp
Classification: Pathogenic for Familial adenomatous polyposis 1. Last evaluated: 2025-11-03. Review status: criteria provided, single submitter. Criteria: Invitae Variant Classification Sherloc (09022015). Collection method: clinical testing. Allele origin: germline.
Comment: This sequence change creates a premature translational stop signal (p.Ser1391Phefs*3) in the APC gene. While this is not anticipated to result in nonsense mediated decay, it is expected to disrupt the last 1453 amino acid(s) of the APC protein. This variant is not present in population databases (gnomAD no frequency). This variant has not been reported in the literature in individuals affected with APC-related conditions. ClinVar contains an entry for this variant (Variation ID: 2752183). This variant is expected to disrupt the EB1 and HDLG binding sites, which mediate interactions with the cytoskeleton (PMID: 15311282, 17293347). While functional studies have not been performed to directly test the effect on APC protein function, this suggests that disruption of the C-terminal portion of the protein is functionally important. A different truncation (p.Tyr2645Lysfs*14) that lies downstream of this variant has been determined to be pathogenic (PMID: 9824584, 1316610, 27081525, 8381579, 22135120, internal data). This suggests that deletion of this region of the APC protein is causative of disease. For these reasons, this variant has been classified as Pathogenic.

Literature cited by the submitters: PubMed 15311282; PubMed 17293347; PubMed 9824584; PubMed 1316610; PubMed 27081525; PubMed 8381579; PubMed 22135120.

NM_000038.6(APC):c.4171_4172del (p.Ser1391fs)

Gene: APC (APC regulator of Wnt signaling pathway; plus strand). Cytogenetic location: 5q22.2.
Variant type: Deletion.
Coding change: c.4171_4172del on transcript NM_000038.6 (MANE Select); coding-DNA positions 4171 to 4172, 2 bases deleted (AG; older notation c.4171_4172delAG).
Protein change: p.Ser1391fs; shifts the reading frame from serine 1391.
Molecular consequence: frameshift variant. On other transcripts: non-coding transcript variant (2).
Genome position (GRCh38, 1-based): chr5:112,839,765-112,839,766, AG deleted. VCF-style (leftmost placement, unchanged base first): chr5-112839764-CAG-C. GRCh37 (hg19) VCF-style: chr5-112175461-CAG-C.
Other names: c.4171_4172del, p.Ser1391fs (NM_001127510.3, NM_001354895.2, NM_001407450.1); c.4117_4118del, p.Ser1373fs (NM_001127511.3); c.4225_4226del, p.Ser1409fs (NM_001354896.2, NM_001407447.1, NM_001407448.1 and 1 more transcripts); c.4201_4202del, p.Ser1401fs (NM_001354897.2); c.4096_4097del, p.Ser1366fs (NM_001354898.2); c.4087_4088del, p.Ser1363fs (NM_001354899.2); c.4048_4049del, p.Ser1350fs (NM_001354900.2); c.3994_3995del, p.Ser1332fs (NM_001354901.2, NM_001407453.1); and 11 more; short protein forms S1231fs, S1332fs, S1363fs, S1373fs, S1381fs, S1384fs, S1391fs, S1007fs.
Identifiers: ClinVar variation 2752183 (VCV002752183.3), dbSNP rs2533554189, ClinGen allele CA2697546414.